The following is an entry in ClinVar:

NM_001243925.2(MAPKAPK3):c.900C>G (p.Asn300Lys)

Gene: MAPKAPK3 (MAPK activated protein kinase 3; plus strand). Cytogenetic location: 3p21.2.
Variant type: single nucleotide variant.
Coding change: c.900C>G on transcript NM_001243925.2 (MANE Select); coding-DNA position 900, C replaced by G.
Protein change: p.Asn300Lys; replaces asparagine 300 with lysine.
Molecular consequence: missense variant.
Genome position (GRCh38, 1-based): chr3:50,646,810, C>G. VCF-style: chr3-50646810-C-G. GRCh37 (hg19) VCF-style: chr3-50684241-C-G.
Other names: c.900C>G, p.Asn300Lys (NM_001243926.2, NM_004635.5); short protein forms N300K.
Identifiers: ClinVar variation 2627452 (VCV002627452.1), dbSNP rs2033310229, ClinGen allele CA352936254.

ClinVar aggregate classification (germline): Uncertain significance (1 of 4 stars; one submission).

Conditions:
Patterned macular dystrophy 3. Also called: MARTINIQUE CRINKLED RETINAL PIGMENT EPITHELIOPATHY. Identifiers: Orphanet 466718, MedGen C4310713, MONDO:0014920, OMIM 617111.

Submission:

Neuberg Centre For Genomic Medicine, NCGM
Classification: Uncertain significance for Patterned macular dystrophy 3. Review status: criteria provided, single submitter. Criteria: ACMG Guidelines, 2015. Collection method: clinical testing. Allele origin: germline. Inheritance: Autosomal dominant inheritance. Affected: yes.
Comment: The missense variant p.N300K in MAPKAPK3 (NM_001243925.2) has not been reported previously as a pathogenic variant nor as a benign variant, to our knowledge. The p.N300K variant is novel (not in any individuals) in gnomAD Exomes and is novel (not in any individuals) in 1000 Genomes. There is a moderate physicochemical difference between asparagine and lysine. The p.N300K missense variant is predicted to be damaging by both SIFT and PolyPhen2. The nucleotide c.900 in MAPKAPK3 is predicted conserved by GERP++ and PhyloP across 100 vertebrates. For these reasons, this variant has been classified as Uncertain Significance